The following is an entry in ClinVar:

NM_130384.3(ATRIP):c.2263G>T (p.Val755Phe)

Genes: ATRIP (ATR interacting protein; plus strand), ATRIP-TREX1 (ATRIP-TREX1 readthrough; plus strand). Cytogenetic location: 3p21.31.
Variant type: single nucleotide variant.
Coding change: c.2263G>T on transcript NM_130384.3 (MANE Select); coding-DNA position 2263, G replaced by T.
Protein change: p.Val755Phe; replaces valine 755 with phenylalanine.
Molecular consequence: missense variant. On other transcripts: non-coding transcript variant (1).
Genome position (GRCh38, 1-based): chr3:48,465,038, G>T. VCF-style: chr3-48465038-G-T. GRCh37 (hg19) VCF-style: chr3-48506437-G-T.
Other names: c.1882G>T, p.Val628Phe (NM_001271022.2); c.1984G>T, p.Val662Phe (NM_001271023.2); c.2182G>T, p.Val728Phe (NM_032166.4); short protein forms V628F, V662F, V728F, V755F.
Identifiers: ClinVar variation 4867267 (VCV004867267.1).
Genomic context (GRCh38, chr3:48,465,038, plus strand): 5'-AAGCTCTTCATGATGCACTGCGTGGAGGTCCTGCATCAGTTTGACCAGGTGATGCCGGGG[G>T]TCAGCATGCTCATCCGAGGGCTTCCTGATGTGACGGACTGTGAAGGTAAGCCTGCCAGAG-3'
Protein context (NP_569055.1, residues 745-765): LHQFDQVMPG[Val755Phe]SMLIRGLPDV

ClinVar aggregate classification (germline): Uncertain significance (1 of 4 stars; one submission).

gnomAD v4.1: 3 of 1,613,634 alleles (0.00019%); highest among the groups gnomAD compares: Non-Finnish European, 0.00025%; no homozygotes.

Submission:

Ambry Genetics
Classification: Uncertain significance. Last evaluated: 2026-06-10. Review status: criteria provided, single submitter. Criteria: Ambry Variant Classification Scheme 2023. Collection method: clinical testing. Allele origin: germline.
Comment: The p.V755F variant (also known as c.2263G>T), located in coding exon 12 of the ATRIP gene, results from a G to T substitution at nucleotide position 2263. The valine at codon 755 is replaced by phenylalanine, an amino acid with highly similar properties. This amino acid position is conserved. In addition, the in silico prediction for this alteration is inconclusive. Based on the available evidence, the clinical significance of this variant remains unclear.